The following is an entry in ClinVar:

ClinVar aggregate classification (germline): Uncertain significance. Review status: criteria provided, multiple submitters, no conflicts (2 of 4 stars). 3 submissions from 3 submitters: Uncertain significance (3). Last evaluated 2025-09-28.

Conditions:
Inborn genetic diseases. Identifiers: MedGen C0950123, MeSH D030342.
Fanconi anemia (FA). Also called: Fanconi's anemia. Identifiers: Orphanet 84, MedGen C0015625, MeSH D005199, MONDO:0019391.

Submissions (3):

Labcorp Genetics (formerly Invitae), Labcorp
Classification: Uncertain significance for Fanconi anemia. Last evaluated: 2025-09-28. Review status: criteria provided, single submitter. Criteria: Invitae Variant Classification Sherloc (09022015). Collection method: clinical testing. Allele origin: germline.
Comment: This sequence change replaces alanine, which is neutral and non-polar, with aspartic acid, which is acidic and polar, at codon 1284 of the FANCA protein (p.Ala1284Asp). This variant is not present in population databases (gnomAD no frequency). This variant has not been reported in the literature in individuals affected with FANCA-related conditions. ClinVar contains an entry for this variant (Variation ID: 2173646). Invitae Evidence Modeling of protein sequence and biophysical properties (such as structural, functional, and spatial information, amino acid conservation, physicochemical variation, residue mobility, and thermodynamic stability) has been performed for this missense variant. However, the output from this modeling did not meet the statistical confidence thresholds required to predict the impact of this variant on FANCA protein function. In summary, the available evidence is currently insufficient to determine the role of this variant in disease. Therefore, it has been classified as a Variant of Uncertain Significance.

Ambry Genetics
Classification: Uncertain significance for Inborn genetic diseases. Last evaluated: 2025-01-25. Review status: criteria provided, single submitter. Criteria: Ambry Variant Classification Scheme 2023. Collection method: clinical testing. Allele origin: germline.
Comment: The p.A1284D variant (also known as c.3851C>A), located in coding exon 39 of the FANCA gene, results from a C to A substitution at nucleotide position 3851. The alanine at codon 1284 is replaced by aspartic acid, an amino acid with dissimilar properties. This amino acid position is conserved. In addition, the in silico prediction for this alteration is inconclusive. Based on the available evidence, the clinical significance of this variant remains unclear.

Quest Diagnostics Nichols Institute San Juan Capistrano
Classification: Uncertain significance. Last evaluated: 2024-07-02. Review status: criteria provided, single submitter. Criteria: Quest Diagnostics criteria. Collection method: clinical testing. Allele origin: unknown.
Comment: The FANCA c.3851C>A (p.Ala1284Asp) variant has not been reported in individuals with FANCA-related conditions in the published literature. It also has not been reported in large, multi-ethnic general populations (Genome Aggregation Database). Analysis of this variant using bioinformatics tools for the prediction of the effect of amino acid changes on protein structure and function yielded predictions that this variant is benign. Based on the available information, we are unable to determine the clinical significance of this variant.

NM_000135.4(FANCA):c.3851C>A (p.Ala1284Asp)

Genes: FANCA (FA complementation group A; minus strand), ZNF276 (zinc finger protein 276; plus strand). Cytogenetic location: 16q24.3.
Variant type: single nucleotide variant.
Coding change: c.3851C>A on transcript NM_000135.4 (MANE Select); coding-DNA position 3851, C replaced by A.
Protein change: p.Ala1284Asp; replaces alanine 1284 with aspartic acid.
Molecular consequence: missense variant. On other transcripts: 3 prime UTR variant (2), non-coding transcript variant (4).
Genome position (GRCh38, 1-based): chr16:89,740,077, G>T on the plus strand (C>A on the coding strand, the complement: FANCA is on the minus strand). VCF-style: chr16-89740077-G-T. GRCh37 (hg19) VCF-style: chr16-89806485-G-T.
Other names: c.3851C>A, p.Ala1284Asp (NM_001286167.3); c.*1831G>T (NM_001113525.2, NM_152287.4); c.3851C>A (NM_000135.3); short protein forms A1284D.
Identifiers: ClinVar variation 2173646 (VCV002173646.4), dbSNP rs1199857080, ClinGen allele CA397485070.
Genomic context (GRCh38, chr16:89,740,077, plus strand): 5'-GCCAGCCAGGATATCTTCCTCTTCTCTAAACACTCGAGGATTGCTGCACAAACGTGGAAA[G>T]CCTTTGGCAGGTCTGTGGTGCTCTGTAAACCGCAGGAGACCAACCCTGAGAATGGCCGAC-3'
Protein context (NP_000126.2, residues 1274-1294): TSNSTTDLPK[Ala1284Asp]FHVCAAILEC